The following is an entry in ClinVar:

ClinVar aggregate classification (germline): Uncertain significance. Review status: criteria provided, multiple submitters, no conflicts (2 of 4 stars). 2 submissions from 2 submitters: Uncertain significance (2). Last evaluated 2026-04-14.

Allele frequency attached by ClinVar (database versions not stated): ExAC 0.00002; gnomAD exomes 0.00002; ESP Exome Variant Server 0.00015; 1000 Genomes Project 30x 0.00016; 1000 Genomes Project 0.00020.
gnomAD v4.1: 119 of 1,612,638 alleles (0.0074%); highest among the groups gnomAD compares: Non-Finnish European, 0.0098%; no homozygotes.

Submissions (2):

GeneDx
Classification: Uncertain significance. Last evaluated: 2026-04-14. Review status: criteria provided, single submitter. Criteria: GeneDx Variant Classification Process June 2021. Collection method: clinical testing. Allele origin: germline.
Comment: In silico analysis supports that this missense variant does not alter protein structure/function; Has not been previously published as pathogenic or benign to our knowledge

Labcorp Genetics (formerly Invitae), Labcorp
Classification: Uncertain significance. Last evaluated: 2023-11-27. Review status: criteria provided, single submitter. Criteria: Invitae Variant Classification Sherloc (09022015). Collection method: clinical testing. Allele origin: germline.
Comment: This sequence change replaces arginine, which is basic and polar, with histidine, which is basic and polar, at codon 1971 of the DCHS1 protein (p.Arg1971His). This variant is present in population databases (rs138329507, gnomAD 0.004%). This variant has not been reported in the literature in individuals affected with DCHS1-related conditions. ClinVar contains an entry for this variant (Variation ID: 1514116). Advanced modeling of protein sequence and biophysical properties (such as structural, functional, and spatial information, amino acid conservation, physicochemical variation, residue mobility, and thermodynamic stability) performed at Invitae indicates that this missense variant is not expected to disrupt DCHS1 protein function with a negative predictive value of 80%. In summary, the available evidence is currently insufficient to determine the role of this variant in disease. Therefore, it has been classified as a Variant of Uncertain Significance.

NM_003737.4(DCHS1):c.5912G>A (p.Arg1971His)

Gene: DCHS1 (dachsous cadherin-related 1; minus strand). Cytogenetic location: 11p15.4.
Variant type: single nucleotide variant.
Coding change: c.5912G>A on transcript NM_003737.4 (MANE Select); coding-DNA position 5912, G replaced by A.
Protein change: p.Arg1971His; replaces arginine 1971 with histidine.
Molecular consequence: missense variant.
Genome position (GRCh38, 1-based): chr11:6,627,127, C>T on the plus strand (G>A on the coding strand, the complement: DCHS1 is on the minus strand). VCF-style: chr11-6627127-C-T. GRCh37 (hg19) VCF-style: chr11-6648358-C-T.
Other names: c.5912G>A (NM_003737.3); short protein forms R1971H.
Identifiers: ClinVar variation 1514116 (VCV001514116.7), dbSNP rs138329507, ClinGen allele CA5859995.